The following is an entry in ClinVar:

NM_000393.5(COL5A2):c.983C>T (p.Pro328Leu)

Gene: COL5A2 (collagen type V alpha 2 chain; minus strand). Cytogenetic location: 2q32.2.
Variant type: single nucleotide variant.
Coding change: c.983C>T on transcript NM_000393.5 (MANE Select); coding-DNA position 983, C replaced by T.
Protein change: p.Pro328Leu; replaces proline 328 with leucine.
Molecular consequence: missense variant.
Genome position (GRCh38, 1-based): chr2:189,079,085, G>A on the plus strand (C>T on the coding strand, the complement: COL5A2 is on the minus strand). VCF-style: chr2-189079085-G-A. GRCh37 (hg19) VCF-style: chr2-189943811-G-A.
Other names: short protein forms P328L.
Identifiers: ClinVar variation 1768357 (VCV001768357.5), dbSNP rs1686476730, ClinGen allele CA349856129.

ClinVar aggregate classification (germline): Uncertain significance. Review status: criteria provided, multiple submitters, no conflicts (2 of 4 stars). 2 submissions from 2 submitters: Uncertain significance (2). Last evaluated 2023-12-24.

Conditions:
Ehlers-Danlos syndrome, classic type, 1 (EDSCL1). Also called: Ehlers-Danlos syndrome, type 1; Ehlers-Danlos Syndrome, Classic Type, COL5A1-Related; EDS I; EHLERS-DANLOS SYNDROME, GRAVIS TYPE; EHLERS-DANLOS SYNDROME, SEVERE CLASSIC TYPE. Identifiers: MedGen C0268335, MONDO:0019567, OMIM 130000.
Familial thoracic aortic aneurysm and aortic dissection (TAAD). Also called: Thoracic aortic aneurysms and dissections. Identifiers: Orphanet 91387, MedGen C4707243, MONDO:0019625.

Allele frequency attached by ClinVar (database versions not stated): TOPMed below 0.00001.

Submissions (2):

Labcorp Genetics (formerly Invitae), Labcorp
Classification: Uncertain significance for Ehlers-Danlos syndrome, classic type, 1. Last evaluated: 2023-12-24. Review status: criteria provided, single submitter. Criteria: Invitae Variant Classification Sherloc (09022015). Collection method: clinical testing. Allele origin: germline.
Comment: This sequence change replaces proline, which is neutral and non-polar, with leucine, which is neutral and non-polar, at codon 328 of the COL5A2 protein (p.Pro328Leu). This variant is not present in population databases (gnomAD no frequency). This variant has not been reported in the literature in individuals affected with COL5A2-related conditions. ClinVar contains an entry for this variant (Variation ID: 1768357). Advanced modeling of protein sequence and biophysical properties (such as structural, functional, and spatial information, amino acid conservation, physicochemical variation, residue mobility, and thermodynamic stability) performed at Invitae indicates that this missense variant is not expected to disrupt COL5A2 protein function with a negative predictive value of 80%. In summary, the available evidence is currently insufficient to determine the role of this variant in disease. Therefore, it has been classified as a Variant of Uncertain Significance.

Ambry Genetics
Classification: Uncertain significance for Familial thoracic aortic aneurysm and aortic dissection. Last evaluated: 2021-06-16. Review status: criteria provided, single submitter. Criteria: Ambry Variant Classification Scheme 2023. Collection method: clinical testing. Allele origin: germline.
Comment: The p.P328L variant (also known as c.983C>T), located in coding exon 15 of the COL5A2 gene, results from a C to T substitution at nucleotide position 983. The proline at codon 328 is replaced by leucine, an amino acid with similar properties. This amino acid position is not well conserved in available vertebrate species. In addition, this alteration is predicted to be tolerated by in silico analysis. Since supporting evidence is limited at this time, the clinical significance of this alteration remains unclear.